The following is an entry in ClinVar:

NM_000391.4(TPP1):c.1548_1551dup (p.Val518Ter)

Gene: TPP1 (tripeptidyl peptidase 1; minus strand). Cytogenetic location: 11p15.4.
Variant type: Duplication.
Coding change: c.1548_1551dup on transcript NM_000391.4 (MANE Select); coding-DNA positions 1548 to 1551, 4 bases duplicated (TGAT; older notation c.1548_1551dupTGAT).
Protein change: p.Val518Ter; replaces valine 518 with a stop codon.
Molecular consequence: nonsense.
Genome position (GRCh38, 1-based): chr11:6,614,866-6,614,869, ATCA duplicated on the plus strand (TGAT on the coding strand, the reverse complement: TPP1 is on the minus strand); duplicating any 4 consecutive bases within chr11:6,614,866-6,614,870 gives the same sequence; the c. name uses the placement nearest the transcript's 3' end. VCF-style (leftmost placement, unchanged base first): chr11-6614865-C-CATCA. GRCh37 (hg19) VCF-style: chr11-6636096-C-CATCA.
Other names: c.1548_1551dup (NM_000391.3); short protein forms V518*.
Identifiers: ClinVar variation 1455654 (VCV001455654.7), dbSNP rs762583993, ClinGen allele CA5858621.
Genomic context (GRCh38, chr11:6,614,865, plus strand): 5'-TCCCCCTTAGCACTCCCCATAGTTGTTTGAAAACGTCCACACCCTTCCCTTCCATACTTA[C>CATCA]ATCAAAGAGTCCTGCCCCATGCTGCTGGTAGAGCCTTGGGTTGAGAAAGCCAAGAGGGGG-3'

ClinVar aggregate classification (germline): Pathogenic/Likely pathogenic. Review status: criteria provided, multiple submitters, no conflicts (2 of 4 stars). 2 submissions from 2 submitters: Pathogenic (1); Likely pathogenic (1). Last evaluated 2026-02-14.

Submissions (2):

GeneDx
Classification: Likely pathogenic. Last evaluated: 2026-02-14. Review status: criteria provided, single submitter. Criteria: GeneDx Variant Classification Process June 2021. Collection method: clinical testing. Allele origin: germline.
Comment: Nonsense variant predicted to result in protein truncation, as the last 46 amino acid(s) are lost, and other loss-of-function variants have been reported downstream in HGMD; Not observed at significant frequency in large population cohorts (gnomAD); This variant is associated with the following publications: (PMID: 31105743)

Labcorp Genetics (formerly Invitae), Labcorp
Classification: Pathogenic. Last evaluated: 2024-02-16. Review status: criteria provided, single submitter. Criteria: Invitae Variant Classification Sherloc (09022015). Collection method: clinical testing. Allele origin: germline.
Comment: This sequence change creates a premature translational stop signal (p.Val518*) in the TPP1 gene. While this is not anticipated to result in nonsense mediated decay, it is expected to disrupt the last 46 amino acid(s) of the TPP1 protein. This variant is present in population databases (rs762583993, gnomAD 0.006%). This premature translational stop signal has been observed in individual(s) with neuronal ceroid lipofuscinosis (PMID: 31105743). This variant is also known as c.1551+1insTGAT. ClinVar contains an entry for this variant (Variation ID: 1455654). Algorithms developed to predict the effect of sequence changes on RNA splicing suggest that this variant may disrupt the consensus splice site. This variant disrupts a region of the TPP1 protein in which other variant(s) (p.Trp542*) have been determined to be pathogenic (PMID: 31283065; Invitae). This suggests that this is a clinically significant region of the protein, and that variants that disrupt it are likely to be disease-causing. For these reasons, this variant has been classified as Pathogenic.

Literature cited by the submitters: PubMed 31105743 (cited by Labcorp Genetics (formerly Invitae), Labcorp); PubMed 31283065 (cited by Labcorp Genetics (formerly Invitae), Labcorp).